The following is an entry in ClinVar:

NM_001374736.1(DST):c.13528G>C (p.Val4510Leu)

Gene: DST (dystonin; minus strand). Cytogenetic location: 6p12.1.
Variant type: single nucleotide variant.
Coding change: c.13528G>C on transcript NM_001374736.1 (MANE Select); coding-DNA position 13528, G replaced by C.
Protein change: p.Val4510Leu; replaces valine 4510 with leucine.
Molecular consequence: missense variant.
Genome position (GRCh38, 1-based): chr6:56,572,773, C>G on the plus strand (G>C on the coding strand, the complement: DST is on the minus strand). VCF-style: chr6-56572773-C-G. GRCh37 (hg19) VCF-style: chr6-56437571-C-G.
Other names: c.7171G>C, p.Val2391Leu (NM_001144769.5); c.6757G>C, p.Val2253Leu (NM_001144770.2); c.13528G>C, p.Val4510Leu (NM_001374722.1); c.12895G>C, p.Val4299Leu (NM_001374729.1); c.6637G>C, p.Val2213Leu (NM_001374730.1, NM_001386100.1, NM_183380.4); c.13555G>C, p.Val4519Leu (NM_001374734.1); c.5659G>C, p.Val1887Leu (NM_015548.5); short protein forms V1887L, V4510L, V4519L, V2391L, V4299L, V2213L, V2253L.
Identifiers: ClinVar variation 1420184 (VCV001420184.8), dbSNP rs1429616092, ClinGen allele CA364526891.
Genomic context (GRCh38, chr6:56,572,773, plus strand): 5'-CTGATTAGCCTCCTGAGTAGTAAGGGAGGCATACCTGCATATACTGAGACAATTCAGTAA[C>G]ATCTTTTCCTGGCACATCTACTTCAGTAAGAGCCTGAGTTTTTGTTTCTAAAAATGTCTG-3'
Protein context (NP_001361665.1, residues 4500-4520): LTEVDVPGKD[Val4510Leu]TELSQYMQES

ClinVar aggregate classification (germline): Uncertain significance (1 of 4 stars; one submission).

Conditions:
Epidermolysis bullosa simplex 3, localized or generalized intermediate, with BP230 deficiency (EBS3). Also called: Epidermolysis bullosa simplex due to BP230 deficiency; Epidermolysis bullosa simplex, autosomal recessive 2. Identifiers: Orphanet 412181, MedGen C3809470, MONDO:0014180, OMIM 615425.
Hereditary sensory and autonomic neuropathy type 6. Also called: Neuropathy, hereditary sensory and autonomic, type VI; HSAN VI. Identifiers: Orphanet 314381, MedGen C3539003, MONDO:0013839, OMIM 614653.

Allele frequency attached by ClinVar (database versions not stated): gnomAD exomes 0.00001.
gnomAD v4.1: 3 of 1,601,506 alleles (0.00019%); highest among the groups gnomAD compares: Admixed American, 0.0052%; no homozygotes.

Submission:

Labcorp Genetics (formerly Invitae), Labcorp
Classification: Uncertain significance for Epidermolysis bullosa simplex 3, localized or generalized intermediate, with BP230 deficiency; Hereditary sensory and autonomic neuropathy type 6. Last evaluated: 2022-06-23. Review status: criteria provided, single submitter. Criteria: Invitae Variant Classification Sherloc (09022015). Collection method: clinical testing. Allele origin: germline.
Comment: The DST gene has multiple clinically relevant transcripts. This variant occurs in alternate transcript NM_015548.4, and corresponds to NM_001723.5:*42744G>C in the primary transcript. This sequence change replaces valine, which is neutral and non-polar, with leucine, which is neutral and non-polar, at codon 1887 of the DST protein (p.Val1887Leu). This variant is not present in population databases (gnomAD no frequency). This variant has not been reported in the literature in individuals affected with DST-related conditions. Experimental studies and prediction algorithms are not available or were not evaluated, and the functional significance of this variant is currently unknown. In summary, the available evidence is currently insufficient to determine the role of this variant in disease. Therefore, it has been classified as a Variant of Uncertain Significance.